The following is an entry in ClinVar:

ClinVar aggregate classification (germline): Uncertain significance. Review status: criteria provided, multiple submitters, no conflicts (2 of 4 stars). 2 submissions from 2 submitters: Uncertain significance (2). Last evaluated 2025-03-18.

Submissions (2):

Labcorp Genetics (formerly Invitae), Labcorp
Classification: Uncertain significance. Last evaluated: 2025-03-18. Review status: criteria provided, single submitter. Criteria: Invitae Variant Classification Sherloc (09022015). Collection method: clinical testing. Allele origin: germline.
Comment: This sequence change creates a premature translational stop signal (p.Ile1549Asnfs*14) in the SAMD9 gene. While this is not anticipated to result in nonsense mediated decay, it is expected to disrupt the last 41 amino acid(s) of the SAMD9 protein. This variant is present in population databases (rs761819522, gnomAD 0.009%). This variant has not been reported in the literature in individuals affected with SAMD9-related conditions. In summary, the available evidence is currently insufficient to determine the role of this variant in disease. Therefore, it has been classified as a Variant of Uncertain Significance.

Blueprint Genetics
Classification: Uncertain significance. Last evaluated: 2023-01-17. Review status: criteria provided, single submitter. Criteria: ACMG Guidelines, 2015. Collection method: clinical testing. Allele origin: germline.

NM_017654.4(SAMD9):c.4645dup (p.Ile1549fs)

Gene: SAMD9 (sterile alpha motif domain containing 9; minus strand). Cytogenetic location: 7q21.2.
Variant type: Duplication.
Coding change: c.4645dup on transcript NM_017654.4 (MANE Select); coding-DNA position 4645, one base duplicated (A; older notation c.4645dupA).
Protein change: p.Ile1549fs; shifts the reading frame from isoleucine 1549.
Molecular consequence: frameshift variant.
Genome position (GRCh38, 1-based): chr7:93,101,453, T duplicated on the plus strand (A on the coding strand, the reverse complement: SAMD9 is on the minus strand); the first of 6 consecutive T bases (chr7:93,101,453-93,101,458); duplicating any one gives the same sequence. VCF-style (leftmost placement, unchanged base first): chr7-93101452-A-AT. GRCh37 (hg19) VCF-style: chr7-92730765-A-AT.
Other names: c.4645dup, p.Ile1549fs (NM_001193307.2); short protein forms I1549fs.
Identifiers: ClinVar variation 4760299 (VCV004760299.2).
Genomic context (GRCh38, chr7:93,101,452, plus strand): 5'-TTCTCTATGCTTCTGCCACTTCTAAGTTGACCTAAAAAAGCGGGAGTGATGGGTATTGTG[A>AT]TTTTTTCATTGATTCCATATTCTATATATAAACAATTGTTTTCAGCTCGACCTTGTAAAC-3'